The following is an entry in ClinVar:

ClinVar aggregate classification (germline): Likely benign. Review status: criteria provided, multiple submitters, no conflicts (2 of 4 stars). 2 submissions from 2 submitters: Likely benign (2). Last evaluated 2025-11-17.

Allele frequency attached by ClinVar (database versions not stated): gnomAD exomes 0.00002.

Submissions (2):

Labcorp Genetics (formerly Invitae), Labcorp
Classification: Likely benign. Last evaluated: 2025-11-17. Review status: criteria provided, single submitter. Criteria: Invitae Variant Classification Sherloc (09022015). Collection method: clinical testing. Allele origin: germline.

CeGaT Center for Human Genetics Tuebingen
Classification: Likely benign. Last evaluated: 2024-05-01. Review status: criteria provided, single submitter. Criteria: CeGaT Center For Human Genetics Tuebingen Variant Classification Criteria Version 2. Collection method: clinical testing. Allele origin: germline. Affected: yes. Observed: 1 variant allele.
Comment: KMT2B: BP4, BP7

NM_014727.3(KMT2B):c.1608C>T (p.Ser536=)

Gene: KMT2B (lysine methyltransferase 2B; plus strand). Cytogenetic location: 19q13.12.
Variant type: single nucleotide variant.
Coding change: c.1608C>T on transcript NM_014727.3 (MANE Select); coding-DNA position 1608, C replaced by T.
Protein change: p.Ser536=; no amino-acid change (serine 536 retained).
Molecular consequence: synonymous variant.
Genome position (GRCh38, 1-based): chr19:35,720,955, C>T. VCF-style: chr19-35720955-C-T. GRCh37 (hg19) VCF-style: chr19-36211857-C-T.
Identifiers: ClinVar variation 3239209 (VCV003239209.20), dbSNP rs1468602900.